The following is an entry in ClinVar:

ClinVar aggregate classification (germline): Uncertain significance (1 of 4 stars; one submission).

Submission:

Labcorp Genetics (formerly Invitae), Labcorp
Classification: Uncertain significance. Last evaluated: 2024-06-25. Review status: criteria provided, single submitter. Criteria: Invitae Variant Classification Sherloc (09022015). Collection method: clinical testing. Allele origin: germline.
Comment: This sequence change replaces lysine, which is basic and polar, with threonine, which is neutral and polar, at codon 1607 of the CACNA1D protein (p.Lys1607Thr). This variant is not present in population databases (gnomAD no frequency). This variant has not been reported in the literature in individuals affected with CACNA1D-related conditions. Advanced modeling of protein sequence and biophysical properties (such as structural, functional, and spatial information, amino acid conservation, physicochemical variation, residue mobility, and thermodynamic stability) performed at Invitae indicates that this missense variant is not expected to disrupt CACNA1D protein function with a negative predictive value of 80%. In summary, the available evidence is currently insufficient to determine the role of this variant in disease. Therefore, it has been classified as a Variant of Uncertain Significance.

NM_001128840.3(CACNA1D):c.4760A>C (p.Lys1587Thr)

Gene: CACNA1D (calcium voltage-gated channel subunit alpha1 D; plus strand). Cytogenetic location: 3p21.1.
Variant type: single nucleotide variant.
Coding change: c.4760A>C on transcript NM_001128840.3 (MANE Select); coding-DNA position 4760, A replaced by C.
Protein change: p.Lys1587Thr; replaces lysine 1587 with threonine.
Molecular consequence: missense variant.
Genome position (GRCh38, 1-based): chr3:53,781,635, A>C. VCF-style: chr3-53781635-A-C. GRCh37 (hg19) VCF-style: chr3-53815662-A-C.
Other names: c.4820A>C, p.Lys1607Thr (NM_000720.4); c.4715A>C, p.Lys1572Thr (NM_001128839.3); short protein forms K1587T, K1572T, K1607T.
Identifiers: ClinVar variation 3657823 (VCV003657823.2).